The following is an entry in ClinVar:

NM_015089.4(CUL9):c.466G>C (p.Gly156Arg)

Gene: CUL9 (cullin 9; plus strand). Cytogenetic location: 6p21.1.
Variant type: single nucleotide variant.
Coding change: c.466G>C on transcript NM_015089.4 (MANE Select); coding-DNA position 466, G replaced by C.
Protein change: p.Gly156Arg; replaces glycine 156 with arginine.
Molecular consequence: missense variant.
Genome position (GRCh38, 1-based): chr6:43,184,776, G>C. VCF-style: chr6-43184776-G-C. GRCh37 (hg19) VCF-style: chr6-43152514-G-C.
Other names: short protein forms G156R.
Identifiers: ClinVar variation 3033339 (VCV003033339.2), dbSNP rs4714672, ClinGen allele CA3817070.

ClinVar aggregate classification (germline): Benign (0 of 4 stars; one submission).

Conditions:
CUL9-related disorder. Also called: CUL9-related condition.

Allele frequency attached by ClinVar (database versions not stated): 1000 Genomes Project 0.00339; 1000 Genomes Project 30x 0.00344.
gnomAD v4.1: 1,180 of 1,614,098 alleles (0.073%); highest among the groups gnomAD compares: Admixed American, 1.8%; 12 homozygotes.

Submission:

PreventionGenetics, part of Exact Sciences
Classification: Benign for CUL9-related condition. Last evaluated: 2019-06-12. Review status: no assertion criteria provided. Collection method: clinical testing. Allele origin: germline.
Comment: This variant is classified as benign based on ACMG/AMP sequence variant interpretation guidelines (Richards et al. 2015 PMID: 25741868, with internal and published modifications).